The following is an entry in ClinVar:

ClinVar aggregate classification (germline): Uncertain significance. Review status: criteria provided, multiple submitters, no conflicts (2 of 4 stars). 3 submissions from 3 submitters: Uncertain significance (3). Last evaluated 2025-03-10.

Conditions:
Cardiovascular phenotype. Identifiers: MedGen CN230736.
Arrhythmogenic right ventricular dysplasia 12. Also called: ARRHYTHMOGENIC RIGHT VENTRICULAR DYSPLASIA, FAMILIAL, 12. Identifiers: MedGen C1969081, MONDO:0012684, OMIM 611528.
Naxos disease (NXD). Also called: WOOLLY HAIR, PALMOPLANTAR KERATODERMA, AND CARDIAC ABNORMALITIES; CARDIOMYOPATHY, ARRHYTHMOGENIC RIGHT VENTRICULAR, WITH SKIN, HAIR, AND NAIL ABNORMALITIES; KERATOSIS PALMOPLANTARIS WITH ARRHYTHMOGENIC CARDIOMYOPATHY; MAL DE NAXOS; PALMOPLANTAR KERATODERMA WITH ARRHYTHMOGENIC RIGHT VENTRICULAR CARDIOMYOPATHY AND WOOLLY HAIR. Identifiers: Orphanet 34217, MedGen C1832600, MONDO:0011017, OMIM 601214.

Allele frequency attached by ClinVar (database versions not stated): gnomAD exomes below 0.00001 and 0.00001; ExAC 0.00001.
gnomAD v4.1: 7 of 1,614,124 alleles (0.00043%); highest among the groups gnomAD compares: Non-Finnish European, 0.00059%; no homozygotes.

Submissions (3):

GeneDx
Classification: Uncertain significance. Last evaluated: 2025-03-10. Review status: criteria provided, single submitter. Criteria: GeneDx Variant Classification Process June 2021. Collection method: clinical testing. Allele origin: germline. Affected: yes.
Comment: Not observed at significant frequency in large population cohorts (gnomAD); In silico analysis supports that this missense variant has a deleterious effect on protein structure/function; Has not been previously published as pathogenic or benign to our knowledge

Ambry Genetics
Classification: Uncertain significance for Cardiovascular phenotype. Last evaluated: 2024-01-01. Review status: criteria provided, single submitter. Criteria: Ambry Variant Classification Scheme 2023. Collection method: clinical testing. Allele origin: germline.
Comment: The p.R333C variant (also known as c.997C>T), located in coding exon 5 of the JUP gene, results from a C to T substitution at nucleotide position 997. The arginine at codon 333 is replaced by cysteine, an amino acid with highly dissimilar properties. This amino acid position is conserved. In addition, the in silico prediction for this alteration is inconclusive. Since supporting evidence is limited at this time, the clinical significance of this alteration remains unclear.

Labcorp Genetics (formerly Invitae), Labcorp
Classification: Uncertain significance for Arrhythmogenic right ventricular dysplasia 12; Naxos disease. Last evaluated: 2023-11-01. Review status: criteria provided, single submitter. Criteria: Invitae Variant Classification Sherloc (09022015). Collection method: clinical testing. Allele origin: germline.
Comment: This sequence change replaces arginine, which is basic and polar, with cysteine, which is neutral and slightly polar, at codon 333 of the JUP protein (p.Arg333Cys). This variant is present in population databases (rs782031185, gnomAD 0.002%). This variant has not been reported in the literature in individuals affected with JUP-related conditions. ClinVar contains an entry for this variant (Variation ID: 663767). An algorithm developed to predict the effect of missense changes on protein structure and function (PolyPhen-2) suggests that this variant is likely to be disruptive. In summary, the available evidence is currently insufficient to determine the role of this variant in disease. Therefore, it has been classified as a Variant of Uncertain Significance.

NM_002230.4(JUP):c.997C>T (p.Arg333Cys)

Gene: JUP (junction plakoglobin; minus strand). Cytogenetic location: 17q21.2.
Variant type: single nucleotide variant.
Coding change: c.997C>T on transcript NM_002230.4 (MANE Select); coding-DNA position 997, C replaced by T.
Protein change: p.Arg333Cys; replaces arginine 333 with cysteine.
Molecular consequence: missense variant.
Genome position (GRCh38, 1-based): chr17:41,764,980, G>A on the plus strand (C>T on the coding strand, the complement: JUP is on the minus strand). VCF-style: chr17-41764980-G-A. GRCh37 (hg19) VCF-style: chr17-39921232-G-A.
Other names: c.997C>T, p.Arg333Cys (NM_001352773.2, NM_001352774.2, NM_001352775.2 and 3 more transcripts); short protein forms R333C.
Identifiers: ClinVar variation 663767 (VCV000663767.9), dbSNP rs782031185, ClinGen allele CA8565321.